The following is an entry in ClinVar:

NM_004523.4(KIF11):c.121G>C (p.Val41Leu)

Gene: KIF11 (kinesin family member 11; plus strand). Cytogenetic location: 10q23.33.
Variant type: single nucleotide variant.
Coding change: c.121G>C on transcript NM_004523.4 (MANE Select); coding-DNA position 121, G replaced by C.
Protein change: p.Val41Leu; replaces valine 41 with leucine.
Molecular consequence: missense variant.
Genome position (GRCh38, 1-based): chr10:92,606,308, G>C. VCF-style: chr10-92606308-G-C. GRCh37 (hg19) VCF-style: chr10-94366065-G-C.
Other names: short protein forms V41L.
Identifiers: ClinVar variation 1303619 (VCV001303619.2), dbSNP rs1458407202, ClinGen allele CA377587764.

ClinVar aggregate classification (germline): Uncertain significance (1 of 4 stars; one submission).

Submission:

GeneDx
Classification: Uncertain significance. Last evaluated: 2019-11-07. Review status: criteria provided, single submitter. Criteria: GeneDx Variant Classification Process June 2021. Collection method: clinical testing. Allele origin: germline. Affected: yes.
Comment: Not observed in large population cohorts (Lek et al., 2016); In silico analysis, which includes protein predictors and evolutionary conservation, supports that this variant does not alter protein structure/function; Has not been previously published as pathogenic or benign to our knowledge